The following is an entry in ClinVar:

ClinVar aggregate classification (germline): Pathogenic. Review status: criteria provided, multiple submitters, no conflicts (2 of 4 stars). 2 submissions from 2 submitters: Pathogenic (2). Last evaluated 2025-11-24.

Conditions:
Early-infantile DEE. Also called: Early infantile epileptic encephalopathy with suppression bursts; Ohtahara syndrome; Early infantile epileptic encephalopathy. Identifiers: Orphanet 1934, MedGen C0393706, MONDO:0800491.
Severe myoclonic epilepsy in infancy (DRVT). Also called: SEVERE MYOCLONIC EPILEPSY OF INFANCY; DEVELOPMENTAL AND EPILEPTIC ENCEPHALOPATHY 6A; Severe Myoclonic Epilepsy in Infancy (SMEI); Epileptic encephalopathy, early infantile, 6 (Dravet syndrome); Dravet syndrome. Identifiers: Orphanet 33069, MedGen C0751122, MONDO:0100135, OMIM 607208.

Submissions (2):

Victorian Clinical Genetics Services, Murdoch Childrens Research Institute
Classification: Pathogenic for Severe myoclonic epilepsy in infancy. Last evaluated: 2025-11-24. Review status: criteria provided, single submitter. Criteria: ACMG Guidelines, 2015. Collection method: clinical testing. Allele origin: germline. Affected: no.
Comment: This variant is classified as Pathogenic. Evidence in support of pathogenic classification: Variant is predicted to cause nonsense-mediated decay (NMD) and loss of protein (premature termination codon is located at least 54 nucleotides upstream of the final exon-exon junction); Variant is absent from gnomAD (v2, v3 and v4); Other NMD-predicted variant(s) comparable to the one identified in this case have very strong previous evidence for pathogenicity (DECIPHER). Additional information: This gene is associated with autosomal dominant disease; This variant has no previous evidence of pathogenicity; No published evidence of segregation with disease has been identified for this variant; No published functional evidence has been identified for this variant; Loss of function and gain of function are known mechanisms of disease in this gene and are associated with SCN1A-related epilepsy (PMID: 28488083); The condition associated with this gene has incomplete penetrance. Penetrance has been noted to vary by phenotype (PMID: 20301494); Variants in this gene are known to have variable expressivity. Both intrafamilial and interfamilial variability have been observed (PMID: 20301494).

Labcorp Genetics (formerly Invitae), Labcorp
Classification: Pathogenic for Early-infantile DEE. Last evaluated: 2023-01-15. Review status: criteria provided, single submitter. Criteria: Invitae Variant Classification Sherloc (09022015). Collection method: clinical testing. Allele origin: germline.
Comment: For these reasons, this variant has been classified as Pathogenic. This variant has not been reported in the literature in individuals affected with SCN1A-related conditions. This variant is not present in population databases (gnomAD no frequency). This sequence change creates a premature translational stop signal (p.Ile236Metfs*5) in the SCN1A gene. It is expected to result in an absent or disrupted protein product. Loss-of-function variants in SCN1A are known to be pathogenic (PMID: 17347258, 18930999).

Literature cited by the submitters: PubMed 28488083 (cited by Victorian Clinical Genetics Services, Murdoch Childrens Research Institute); PubMed 20301494 (cited by Victorian Clinical Genetics Services, Murdoch Childrens Research Institute); PubMed 17347258 (cited by Labcorp Genetics (formerly Invitae), Labcorp); PubMed 18930999 (cited by Labcorp Genetics (formerly Invitae), Labcorp).

NM_001165963.4(SCN1A):c.708del (p.Ile236fs)

Gene: SCN1A (sodium voltage-gated channel alpha subunit 1; minus strand). Cytogenetic location: 2q24.3.
Variant type: Deletion.
Coding change: c.708del on transcript NM_001165963.4 (MANE Select); coding-DNA position 708, one base deleted (T; older notation c.708delT).
Protein change: p.Ile236fs; shifts the reading frame from isoleucine 236.
Molecular consequence: frameshift variant. On other transcripts: 5 prime UTR variant (1), non-coding transcript variant (1).
Genome position (GRCh38, 1-based): chr2:166,051,975, A deleted on the plus strand (T on the coding strand, the reverse complement: SCN1A is on the minus strand); the first of 2 consecutive A bases (chr2:166,051,975-166,051,976); deleting either gives the same sequence. VCF-style (leftmost placement, unchanged base first): chr2-166051974-CA-C. GRCh37 (hg19) VCF-style: chr2-166908484-CA-C.
Other names: c.708del, p.Ile236fs (NM_001165964.3, NM_001202435.3, NM_001353948.2 and 10 more transcripts); c.-1718del (NM_001353961.2); short protein forms I236fs.
Identifiers: ClinVar variation 2828920 (VCV002828920.4), dbSNP rs2468225370, ClinGen allele CA2739271502.
Genomic context (GRCh38, chr2:166,051,974, plus strand): 5'-AGAACACAGTCAGGATCATTACATCTGAGAGCTTCTTCACAGACTGGATCAGGGCTCCCA[CA>C]ATGGTTTTCAGGCCTGAAAGAAAGAAGTCTATTACTATGAAGACTTAACACGTGTGAAAT-3'